The following is an entry in ClinVar:

NM_032444.4(SLX4):c.358A>G (p.Thr120Ala)

Gene: SLX4 (SLX4 structure-specific endonuclease subunit; minus strand). Cytogenetic location: 16p13.3.
Variant type: single nucleotide variant.
Coding change: c.358A>G on transcript NM_032444.4 (MANE Select); coding-DNA position 358, A replaced by G.
Protein change: p.Thr120Ala; replaces threonine 120 with alanine.
Molecular consequence: missense variant.
Genome position (GRCh38, 1-based): chr16:3,608,607, T>C on the plus strand (A>G on the coding strand, the complement: SLX4 is on the minus strand). VCF-style: chr16-3608607-T-C. GRCh37 (hg19) VCF-style: chr16-3658608-T-C.
Other names: c.358A>G (LRG_503t1); short protein forms T120A.
Identifiers: ClinVar variation 407903 (VCV000407903.13), dbSNP rs1003342051, ClinGen allele CA16615178.
Genomic context (GRCh38, chr16:3,608,607, plus strand): 5'-CCCCATTCACAGAGTGGGCCGGTTCACTTGCTTGCCATTTGGTTACCCTTTGCTTTTTAG[T>C]CCTAGGGGCCTGGCTGCCAGACGGAGGTTTCTTCTCTGCAGGGCCTTGAAGGGTTTTGGT-3'
Protein context (NP_115820.2, residues 110-130): KPPSGSQAPR[Thr120Ala]KKQRVTKWQA

ClinVar aggregate classification (germline): Uncertain significance. Review status: criteria provided, multiple submitters, no conflicts (2 of 4 stars). 2 submissions from 2 submitters: Uncertain significance (2). Last evaluated 2025-07-15.

Conditions:
Fanconi anemia complementation group P. Also called: SLX4-Related Fanconi Anemia. Identifiers: Orphanet 84, MedGen C3469542, MONDO:0013499, OMIM 613951.
Fanconi anemia (FA). Also called: Fanconi's anemia. Identifiers: Orphanet 84, MedGen C0015625, MeSH D005199, MONDO:0019391.

Allele frequency attached by ClinVar (database versions not stated): gnomAD exomes below 0.00001; TOPMed below 0.00001.
gnomAD v4.1: 4 of 1,614,138 alleles (0.00025%); highest among the groups gnomAD compares: East Asian, 0.0022%; no homozygotes.

Submissions (2):

Labcorp Genetics (formerly Invitae), Labcorp
Classification: Uncertain significance for Fanconi anemia. Last evaluated: 2025-07-15. Review status: criteria provided, single submitter. Criteria: Invitae Variant Classification Sherloc (09022015). Collection method: clinical testing. Allele origin: germline.
Comment: This sequence change replaces threonine, which is neutral and polar, with alanine, which is neutral and non-polar, at codon 120 of the SLX4 protein (p.Thr120Ala). This variant is not present in population databases (gnomAD no frequency). This variant has not been reported in the literature in individuals affected with SLX4-related conditions. ClinVar contains an entry for this variant (Variation ID: 407903). An algorithm developed to predict the effect of missense changes on protein structure and function outputs the following: PolyPhen-2: "Benign". The alanine amino acid residue is found in multiple mammalian species, which suggests that this missense change does not adversely affect protein function. In summary, the available evidence is currently insufficient to determine the role of this variant in disease. Therefore, it has been classified as a Variant of Uncertain Significance.

Fulgent Genetics
Classification: Uncertain significance for Fanconi anemia complementation group P. Last evaluated: 2024-03-13. Review status: criteria provided, single submitter. Criteria: ACMG Guidelines, 2015. Collection method: clinical testing. Allele origin: germline.